The following is an entry in ClinVar:

ClinVar aggregate classification (germline): Uncertain significance. Review status: criteria provided, multiple submitters, no conflicts (2 of 4 stars). 3 submissions from 3 submitters: Uncertain significance (3). Last evaluated 2025-09-19.

Conditions:
Hereditary cancer-predisposing syndrome. Also called: Neoplastic Syndromes, Hereditary; Tumor predisposition; Hereditary Cancer Syndrome; Hereditary neoplastic syndrome. Identifiers: Orphanet 140162, MedGen C0027672, MeSH D009386, MONDO:0015356.
Microcephaly, normal intelligence and immunodeficiency (NBS). Also called: Nijmegen breakage syndrome; Immunodeficiency, microcephaly with normal intelligence; SEEMANOVA SYNDROME II; Microcephaly with normal intelligence immunodeficiency and lymphoreticular malignancies; Nonsyndromal microcephaly autosomal recessive with normal intelligence; Seemanova syndrome 2. Identifiers: Orphanet 647, MedGen C0398791, MONDO:0009623, OMIM 251260.

Allele frequency attached by ClinVar (database versions not stated): gnomAD exomes below 0.00001.
gnomAD v4.1: 4 of 1,613,554 alleles (0.00025%); highest among the groups gnomAD compares: Non-Finnish European, 0.00034%; no homozygotes.

Submissions (3):

Ambry Genetics
Classification: Uncertain significance for Hereditary cancer-predisposing syndrome. Last evaluated: 2025-09-19. Review status: criteria provided, single submitter. Criteria: Ambry Variant Classification Scheme 2023. Collection method: clinical testing. Allele origin: germline.
Comment: The p.S539C variant (also known as c.1616C>G), located in coding exon 11 of the NBN gene, results from a C to G substitution at nucleotide position 1616. The serine at codon 539 is replaced by cysteine, an amino acid with dissimilar properties. This amino acid position is conserved. In addition, this alteration is predicted to be tolerated by in silico analysis. Since supporting evidence is limited at this time, the clinical significance of this alteration remains unclear.

Genome-Nilou Lab
Classification: Uncertain significance for Microcephaly, normal intelligence and immunodeficiency. Last evaluated: 2021-11-07. Review status: criteria provided, single submitter. Criteria: ACMG Guidelines, 2015. Collection method: clinical testing. Allele origin: germline. Affected: no.

Labcorp Genetics (formerly Invitae), Labcorp
Classification: Uncertain significance for Microcephaly, normal intelligence and immunodeficiency. Last evaluated: 2021-03-09. Review status: criteria provided, single submitter. Criteria: Invitae Variant Classification Sherloc (09022015). Collection method: clinical testing. Allele origin: germline.
Comment: This variant has not been reported in the literature in individuals with NBN-related disease. This variant is not present in population databases (ExAC no frequency). This sequence change replaces serine with cysteine at codon 539 of the NBN protein (p.Ser539Cys). The serine residue is weakly conserved and there is a moderate physicochemical difference between serine and cysteine. Algorithms developed to predict the effect of missense changes on protein structure and function (SIFT, PolyPhen-2, Align-GVGD) all suggest that this variant is likely to be tolerated, but these predictions have not been confirmed by published functional studies and their clinical significance is uncertain. In summary, the available evidence is currently insufficient to determine the role of this variant in disease. Therefore, it has been classified as a Variant of Uncertain Significance.

NM_002485.5(NBN):c.1616C>G (p.Ser539Cys)

Gene: NBN (nibrin; minus strand). Cytogenetic location: 8q21.3.
Variant type: single nucleotide variant.
Coding change: c.1616C>G on transcript NM_002485.5 (MANE Select); coding-DNA position 1616, C replaced by G.
Protein change: p.Ser539Cys; replaces serine 539 with cysteine.
Molecular consequence: missense variant.
Genome position (GRCh38, 1-based): chr8:89,953,473, G>C on the plus strand (C>G on the coding strand, the complement: NBN is on the minus strand). VCF-style: chr8-89953473-G-C. GRCh37 (hg19) VCF-style: chr8-90965701-G-C.
Other names: c.1370C>G, p.Ser457Cys (NM_001024688.3); short protein forms S539C, S457C.
Identifiers: ClinVar variation 566726 (VCV000566726.18), dbSNP rs768431216, ClinGen allele CA181257891.
Genomic context (GRCh38, chr8:89,953,473, plus strand): 5'-TCTATGGCCACATCATCCATTTCCCTTTTTTTATTTGATCTTAGCTTTTCTGCAGCATGA[G>C]ATTTACTGGCAGAATTTTTCACAATAGATTTTAAATCTGTATCTGTAAATAAGTTATTGT-3'
Protein context (NP_002476.2, residues 529-549): KSIVKNSASK[Ser539Cys]HAAEKLRSNK